The following is an entry in ClinVar:

ClinVar aggregate classification (germline): Uncertain significance (1 of 4 stars; one submission).

Submission:

Labcorp Genetics (formerly Invitae), Labcorp
Classification: Uncertain significance. Last evaluated: 2024-03-15. Review status: criteria provided, single submitter. Criteria: Invitae Variant Classification Sherloc (09022015). Collection method: clinical testing. Allele origin: germline.
Comment: This sequence change replaces methionine, which is neutral and non-polar, with valine, which is neutral and non-polar, at codon 177 of the EMC1 protein (p.Met177Val). This variant is not present in population databases (gnomAD no frequency). This variant has not been reported in the literature in individuals affected with EMC1-related conditions. ClinVar contains an entry for this variant (Variation ID: 1362215). Advanced modeling of protein sequence and biophysical properties (such as structural, functional, and spatial information, amino acid conservation, physicochemical variation, residue mobility, and thermodynamic stability) performed at Invitae indicates that this missense variant is not expected to disrupt EMC1 protein function with a negative predictive value of 80%. In summary, the available evidence is currently insufficient to determine the role of this variant in disease. Therefore, it has been classified as a Variant of Uncertain Significance.

NM_015047.3(EMC1):c.529A>G (p.Met177Val)

Gene: EMC1 (ER membrane protein complex subunit 1; minus strand). Cytogenetic location: 1p36.13.
Variant type: single nucleotide variant.
Coding change: c.529A>G on transcript NM_015047.3 (MANE Select); coding-DNA position 529, A replaced by G.
Protein change: p.Met177Val; replaces methionine 177 with valine.
Molecular consequence: missense variant.
Genome position (GRCh38, 1-based): chr1:19,241,123, T>C on the plus strand (A>G on the coding strand, the complement: EMC1 is on the minus strand). VCF-style: chr1-19241123-T-C. GRCh37 (hg19) VCF-style: chr1-19567617-T-C.
Other names: c.529A>G, p.Met177Val (NM_001271427.2, NM_001271428.2, NM_001375820.1 and 1 more transcripts); c.463A>G, p.Met155Val (NM_001271429.2); short protein forms M155V, M177V.
Identifiers: ClinVar variation 1362215 (VCV001362215.8), dbSNP rs2151959659, ClinGen allele CA338770262.
Genomic context (GRCh38, chr1:19,241,123, plus strand): 5'-CATGGCTGAAGGGAACAACTCCGAGGGCCCACACCACCCCAGAGCCGTAAGAATACACCA[T>C]CTGGTAGTGGATGCTGTCACTAAGAGAGGGAAGAAGAAACCGCAGCGTCAGCTTTCAACC-3'
Protein context (NP_055862.1, residues 167-187): LPESDSIHYQ[Met177Val]VYSYGSGVVW